The following is an entry in ClinVar:

ClinVar aggregate classification (germline): Uncertain significance (1 of 4 stars; one submission).

Submission:

GeneDx
Classification: Uncertain significance. Last evaluated: 2025-02-04. Review status: criteria provided, single submitter. Criteria: GeneDx Variant Classification Process June 2021. Collection method: clinical testing. Allele origin: germline. Affected: yes.
Comment: Not observed at significant frequency in large population cohorts (gnomAD); Frameshift variant predicted to result in protein truncation or nonsense mediated decay in a gene or region of a gene for which loss of function is not a well-established mechanism of disease; Has not been previously published as pathogenic or benign to our knowledge

NM_021096.4(CACNA1I):c.3345_3346insCCCC (p.Gly1116fs)

Gene: CACNA1I (calcium voltage-gated channel subunit alpha1 I; plus strand). Cytogenetic location: 22q13.1.
Variant type: Insertion.
Coding change: c.3345_3346insCCCC on transcript NM_021096.4 (MANE Select); coding-DNA positions 3345 to 3346, CCCC inserted.
Protein change: p.Gly1116fs; shifts the reading frame from glycine 1116.
Molecular consequence: frameshift variant.
Genome position: GRCh38 VCF-style: chr22-39662407-G-GCCCC. GRCh37 (hg19) VCF-style: chr22-40058412-G-GCCCC.
Other names: c.3240_3241insCCCC, p.Gly1081fs (NM_001003406.2); short protein forms G1081fs, G1116fs.
Identifiers: ClinVar variation 4072668 (VCV004072668.1).